The following is an entry in ClinVar:

NM_206937.2(LIG4):c.842T>C (p.Met281Thr)

Gene: LIG4 (DNA ligase 4; minus strand). Cytogenetic location: 13q33.3.
Variant type: single nucleotide variant.
Coding change: c.842T>C on transcript NM_206937.2 (MANE Select); coding-DNA position 842, T replaced by C.
Protein change: p.Met281Thr; replaces methionine 281 with threonine.
Molecular consequence: missense variant.
Genome position (GRCh38, 1-based): chr13:108,210,427, A>G on the plus strand (T>C on the coding strand, the complement: LIG4 is on the minus strand). VCF-style: chr13-108210427-A-G. GRCh37 (hg19) VCF-style: chr13-108862775-A-G.
Other names: c.842T>C, p.Met281Thr (NM_001352600.2, NM_001352601.2, NM_001352602.2 and 6 more transcripts); c.878T>C, p.Met293Thr (NM_001352604.2); c.641T>C, p.Met214Thr (NM_001330595.2); short protein forms M281T, M214T, M293T.
Identifiers: ClinVar variation 1392382 (VCV001392382.3), dbSNP rs1399378139, ClinGen allele CA388619775.
Genomic context (GRCh38, chr13:108,210,427, plus strand): 5'-TGATCAGTGTAGTTATATCCATTTCGAGAGAAGTATTTATATACATCTCCATCTTTGTGC[A>G]TTTGCATACGTTCACCATCTAGCTTGGTTTCTATGTAGAAACTCTGATGTTTCATATCCT-3'
Protein context (NP_996820.1, residues 271-291): ETKLDGERMQ[Met281Thr]HKDGDVYKYF

ClinVar aggregate classification (germline): Uncertain significance (1 of 4 stars; one submission).

Conditions:
DNA ligase IV deficiency. Identifiers: Orphanet 99812, MedGen C1847827, MONDO:0011686, OMIM 606593.

Allele frequency attached by ClinVar (database versions not stated): TOPMed below 0.00001.

Submission:

Labcorp Genetics (formerly Invitae), Labcorp
Classification: Uncertain significance for DNA ligase IV deficiency. Last evaluated: 2021-11-10. Review status: criteria provided, single submitter. Criteria: Invitae Variant Classification Sherloc (09022015). Collection method: clinical testing. Allele origin: germline.
Comment: This sequence change replaces methionine, which is neutral and non-polar, with threonine, which is neutral and polar, at codon 281 of the LIG4 protein (p.Met281Thr). This variant is not present in population databases (gnomAD no frequency). This variant has not been reported in the literature in individuals affected with LIG4-related conditions. Algorithms developed to predict the effect of missense changes on protein structure and function (SIFT, PolyPhen-2, Align-GVGD) all suggest that this variant is likely to be disruptive. In summary, the available evidence is currently insufficient to determine the role of this variant in disease. Therefore, it has been classified as a Variant of Uncertain Significance.